The following is an entry in ClinVar:

NM_001365276.2(TNXB):c.886G>A (p.Val296Met)

Gene: TNXB (tenascin XB; minus strand). Cytogenetic location: 6p21.33.
Variant type: single nucleotide variant.
Coding change: c.886G>A on transcript NM_001365276.2 (MANE Select); coding-DNA position 886, G replaced by A.
Protein change: p.Val296Met; replaces valine 296 with methionine.
Molecular consequence: missense variant.
Genome position (GRCh38, 1-based): chr6:32,096,967, C>T on the plus strand (G>A on the coding strand, the complement: TNXB is on the minus strand). VCF-style: chr6-32096967-C-T. GRCh37 (hg19) VCF-style: chr6-32064744-C-T.
Other names: c.886G>A, p.Val296Met (NM_001428335.1, NM_019105.8); short protein forms V296M.
Identifiers: ClinVar variation 4615171 (VCV004615171.1).

ClinVar aggregate classification (germline): Uncertain significance (1 of 4 stars; one submission).

Conditions:
Cardiovascular phenotype. Identifiers: MedGen CN230736.

gnomAD v4.1: 1 of 1,605,900 alleles (0.000062%); highest among the groups gnomAD compares: Non-Finnish European, 0.000085%; no homozygotes.

Submission:

Ambry Genetics
Classification: Uncertain significance for Cardiovascular phenotype. Last evaluated: 2025-11-07. Review status: criteria provided, single submitter. Criteria: Ambry Variant Classification Scheme 2023. Collection method: clinical testing. Allele origin: germline.
Comment: The p.V296M variant (also known as c.886G>A), located in coding exon 2 of the TNXB gene, results from a G to A substitution at nucleotide position 886. The valine at codon 296 is replaced by methionine, an amino acid with highly similar properties. This amino acid position is conserved. In addition, this alteration is predicted to be tolerated by in silico analysis. Based on the available evidence, the clinical significance of this variant remains unclear.